The following is an entry in ClinVar:

NM_032444.4(SLX4):c.3353C>T (p.Pro1118Leu)

Gene: SLX4 (SLX4 structure-specific endonuclease subunit; minus strand). Cytogenetic location: 16p13.3.
Variant type: single nucleotide variant.
Coding change: c.3353C>T on transcript NM_032444.4 (MANE Select); coding-DNA position 3353, C replaced by T.
Protein change: p.Pro1118Leu; replaces proline 1118 with leucine.
Molecular consequence: missense variant.
Genome position (GRCh38, 1-based): chr16:3,590,285, G>A on the plus strand (C>T on the coding strand, the complement: SLX4 is on the minus strand). VCF-style: chr16-3590285-G-A. GRCh37 (hg19) VCF-style: chr16-3640286-G-A.
Other names: c.3353C>T (LRG_503t1); short protein forms P1118L.
Identifiers: ClinVar variation 566493 (VCV000566493.8), dbSNP rs1567170196, ClinGen allele CA394520317.
Genomic context (GRCh38, chr16:3,590,285, plus strand): 5'-GATCTGGAGCTCGAATGGTCAGGATTTGACTGGGTTAGGTCAATAGACGGAGATTTTTCT[G>A]GGAACATCAGGACCCCCTTATTTCTGCACTCCAGCACGGACCGACGCTCTTTGCCTTTCT-3'
Protein context (NP_115820.2, residues 1108-1128): ECRNKGVLMF[Pro1118Leu]EKSPSIDLTQ

ClinVar aggregate classification (germline): Uncertain significance (1 of 4 stars; one submission).

Conditions:
Fanconi anemia (FA). Also called: Fanconi's anemia. Identifiers: Orphanet 84, MedGen C0015625, MeSH D005199, MONDO:0019391.

Submission:

Labcorp Genetics (formerly Invitae), Labcorp
Classification: Uncertain significance for Fanconi anemia. Last evaluated: 2024-10-07. Review status: criteria provided, single submitter. Criteria: Invitae Variant Classification Sherloc (09022015). Collection method: clinical testing. Allele origin: germline.
Comment: This sequence change replaces proline, which is neutral and non-polar, with leucine, which is neutral and non-polar, at codon 1118 of the SLX4 protein (p.Pro1118Leu). This variant is not present in population databases (gnomAD no frequency). This variant has not been reported in the literature in individuals affected with SLX4-related conditions. ClinVar contains an entry for this variant (Variation ID: 566493). An algorithm developed to predict the effect of missense changes on protein structure and function (PolyPhen-2) suggests that this variant is likely to be disruptive. In summary, the available evidence is currently insufficient to determine the role of this variant in disease. Therefore, it has been classified as a Variant of Uncertain Significance.